The following is an entry in ClinVar:

ClinVar aggregate classification (germline): Likely pathogenic (1 of 4 stars; one submission).

Conditions:
Developmental and epileptic encephalopathy, 53. Also called: Epileptic encephalopathy, early infantile, 53. Identifiers: MedGen C4479313, MONDO:0033362, OMIM 617389.
Early-onset Parkinson disease 20. Also called: PARKINSON DISEASE 20, AUTOSOMAL RECESSIVE EARLY-ONSET. Identifiers: Orphanet 391411, MedGen C3809824, MONDO:0014233, OMIM 615530.

Allele frequency attached by ClinVar (database versions not stated): gnomAD exomes below 0.00001.
gnomAD v4.1: 5 of 1,606,756 alleles (0.00031%); highest among the groups gnomAD compares: Non-Finnish European, 0.00042%; no homozygotes.

Submission:

Labcorp Genetics (formerly Invitae), Labcorp
Classification: Likely pathogenic for Developmental and epileptic encephalopathy, 53; Early-onset Parkinson disease 20. Last evaluated: 2023-04-22. Review status: criteria provided, single submitter. Criteria: Invitae Variant Classification Sherloc (09022015). Collection method: clinical testing. Allele origin: germline.
Comment: This sequence change affects a donor splice site in intron 26 of the SYNJ1 gene. It is expected to disrupt RNA splicing. Variants that disrupt the donor or acceptor splice site typically lead to a loss of protein function (PMID: 16199547), and loss-of-function variants in SYNJ1 are known to be pathogenic (PMID: 25316601, 27435091). This variant is not present in population databases (gnomAD no frequency). This variant has not been reported in the literature in individuals affected with SYNJ1-related conditions. ClinVar contains an entry for this variant (Variation ID: 1490816). Algorithms developed to predict the effect of sequence changes on RNA splicing suggest that this variant may disrupt the consensus splice site. In summary, the currently available evidence indicates that the variant is pathogenic, but additional data are needed to prove that conclusively. Therefore, this variant has been classified as Likely Pathogenic.

Literature cited by the submitters: PubMed 16199547; PubMed 25316601; PubMed 27435091.

NM_203446.3(SYNJ1):c.3430+1G>A

Gene: SYNJ1 (synaptojanin 1; minus strand). Cytogenetic location: 21q22.11.
Variant type: single nucleotide variant.
Coding change: c.3430+1G>A on transcript NM_203446.3 (MANE Select); the canonical splice donor site of the intron after coding-DNA position 3430, G replaced by A.
Molecular consequence: splice donor variant. On other transcripts: intron variant (1).
Genome position (GRCh38, 1-based): chr21:32,644,967, C>T on the plus strand (G>A on the coding strand, the complement: SYNJ1 is on the minus strand). VCF-style: chr21-32644967-C-T. GRCh37 (hg19) VCF-style: chr21-34017277-C-T.
Other names: c.3547+1G>A (NM_003895.4); c.3430+1G>A (NM_001160302.2); c.3376+679G>A (NM_001160306.2).
Identifiers: ClinVar variation 1490816 (VCV001490816.8), dbSNP rs2145769010, ClinGen allele CA410067896.
Genomic context (GRCh38, chr21:32,644,967, plus strand): 5'-TTTCAGGTGTAAAACATTAATGAACCACGATTCACACATGCTAACAAATGTAAATGGTTA[C>T]CTCCAAATTCCTTTCTAGTGGGTGCAGGACTCCTAGCCCCTTATAGTTCATAAGAAAATA-3'